The following is an entry in ClinVar:

ClinVar aggregate classification (germline): Uncertain significance (1 of 4 stars; one submission).

Allele frequency attached by ClinVar (database versions not stated): gnomAD exomes 0.00007; ExAC 0.00009; TOPMed 0.00024 and 0.00028; ESP Exome Variant Server 0.00024; gnomAD 0.00027.

Submission:

Women's Health and Genetics/Laboratory Corporation of America, LabCorp
Classification: Uncertain significance. Last evaluated: 2026-06-18. Review status: criteria provided, single submitter. Criteria: LabCorp Variant Classification Summary - May 2015. Collection method: clinical testing. Allele origin: germline.
Comment: Variant summary: MFSD2A c.246delC (p.Cys84AlafsX117) results in a premature termination codon, predicted to cause a truncation of the encoded protein or absence of the protein due to nonsense mediated decay, however current evidence is not sufficient to establish loss of function as a mechanism for disease. The variant allele was found at a frequency of 7.2e-05 in 251448 control chromosomes. This frequency is not significantly higher than estimated for disease-causing variants in MFSD2A, allowing no conclusion about variant significance. To our knowledge, no occurrence of c.246delC in individuals affected with MFSD2A-related conditions and no experimental evidence demonstrating its impact on protein function have been reported. No submitters have cited clinical-significance assessments for this variant to ClinVar. Based on the evidence outlined above, the variant was classified as uncertain significance.

NM_032793.5(MFSD2A):c.229-22del

Gene: MFSD2A (MFSD2 lysolipid transporter A, lysophospholipid; plus strand). Cytogenetic location: 1p34.2.
Variant type: Deletion.
Coding change: c.229-22del on transcript NM_032793.5 (MANE Select); 22 bases into the intron before coding-DNA position 229, one base deleted (C; older notation c.229-22delC).
Molecular consequence: intron variant. On other transcripts: frameshift variant (1).
Genome position (GRCh38, 1-based): chr1:39,958,679, C deleted. VCF-style (leftmost placement, unchanged base first): chr1-39958678-TC-T. GRCh37 (hg19) VCF-style: chr1-40424350-TC-T.
Other names: c.246del, p.Cys84fs (NM_001136493.3); c.229-22del (NM_001349822.2); c.-117-22del (NM_001349823.2); c.118-22del (NM_001287809.2); c.-116+3294del (NM_001287808.2); c.223-22del (NM_001349821.2); c.246delC (NM_001136493.3); short protein forms C84fs.
Identifiers: ClinVar variation 4887139 (VCV004887139.1), dbSNP rs752674797.